The following is an entry in ClinVar:

ClinVar aggregate classification (germline): Uncertain significance (1 of 4 stars; one submission).

Submission:

CeGaT Center for Human Genetics Tuebingen
Classification: Uncertain significance. Last evaluated: 2024-10-01. Review status: criteria provided, single submitter. Criteria: CeGaT Center For Human Genetics Tuebingen Variant Classification Criteria Version 2. Collection method: clinical testing. Allele origin: germline. Affected: yes. Observed: 1 variant allele.
Comment: ERLIN2: PM2, PP3, PS3:Supporting, PS4:Supporting

NM_007175.8(ERLIN2):c.194C>T (p.Thr65Ile)

Gene: ERLIN2 (ER lipid raft associated 2; plus strand). Cytogenetic location: 8p11.23.
Variant type: single nucleotide variant.
Coding change: c.194C>T on transcript NM_007175.8 (MANE Select); coding-DNA position 194, C replaced by T.
Protein change: p.Thr65Ile; replaces threonine 65 with isoleucine.
Molecular consequence: missense variant.
Genome position (GRCh38, 1-based): chr8:37,741,776, C>T. VCF-style: chr8-37741776-C-T. GRCh37 (hg19) VCF-style: chr8-37599294-C-T.
Other names: c.194C>T, p.Thr65Ile (NM_001003790.4, NM_001003791.3, NM_001362878.2 and 1 more transcripts); short protein forms T65I.
Identifiers: ClinVar variation 3388528 (VCV003388528.14).
Genomic context (GRCh38, chr8:37,741,776, plus strand): 5'-GTAAGTTACTTTGTCACTGCCCATCTTCTAGCACTTTATGTTTCCTCTGTTTCCAGACCA[C>T]ACTCCAGACAGATGAGGTGAAGAATGTACCTTGTGGGACTAGGTAAGGTACCCAGAATAA-3'
Protein context (NP_009106.1, residues 55-75): FITSYKSVQT[Thr65Ile]LQTDEVKNVP